The following is an entry in ClinVar:

NM_033656.4(BRWD1):c.1497A>C (p.Thr499=)

Gene: BRWD1 (bromodomain and WD repeat domain containing 1; minus strand). Cytogenetic location: 21q22.2.
Variant type: single nucleotide variant.
Coding change: c.1497A>C on transcript NM_033656.4 (MANE Select); coding-DNA position 1497, A replaced by C.
Protein change: p.Thr499=; no amino-acid change (threonine 499 retained).
Molecular consequence: synonymous variant.
Genome position (GRCh38, 1-based): chr21:39,269,932, T>G on the plus strand (A>C on the coding strand, the complement: BRWD1 is on the minus strand). VCF-style: chr21-39269932-T-G. GRCh37 (hg19) VCF-style: chr21-40641858-T-G.
Other names: c.1497A>C, p.Thr499= (NM_018963.5).
Identifiers: ClinVar variation 3041194 (VCV003041194.2), dbSNP rs61740760, ClinGen allele CA10027446.
Genomic context (GRCh38, chr21:39,269,932, plus strand): 5'-TATCAAGGTACATCTCACTTCACTTACCATATTAAAATAATGTTTCATCTTGGTACCTTT[T>G]GTAATATCCCATATAAATATGCTGCCATCATGTCCTGCAGATAACATAATTCTGGAATCA-3'
Protein context (NP_387505.1, residues 489-509): HDGSIFIWDI[Thr499=]KGTKMKHYFN

ClinVar aggregate classification (germline): Benign (0 of 4 stars; one submission).

Conditions:
BRWD1-related disorder. Also called: BRWD1-related condition.

Allele frequency attached by ClinVar (database versions not stated): 1000 Genomes Project 30x 0.00984; 1000 Genomes Project 0.00998; TOPMed 0.02004; gnomAD 0.02076; ExAC 0.02173; ESP Exome Variant Server 0.02345; gnomAD exomes 0.02832.
gnomAD v4.1: 42,779 of 1,556,372 alleles (2.7%); highest among the groups gnomAD compares: Non-Finnish European, 3.2%; 732 homozygotes.

Submission:

PreventionGenetics, part of Exact Sciences
Classification: Benign for BRWD1-related condition. Last evaluated: 2019-02-20. Review status: no assertion criteria provided. Collection method: clinical testing. Allele origin: germline.
Comment: This variant is classified as benign based on ACMG/AMP sequence variant interpretation guidelines (Richards et al. 2015 PMID: 25741868, with internal and published modifications).